The following is an entry in ClinVar:

NM_017763.6(RNF43):c.1168T>G (p.Phe390Val)

Gene: RNF43 (ring finger protein 43; minus strand). Cytogenetic location: 17q22.
Variant type: single nucleotide variant.
Coding change: c.1168T>G on transcript NM_017763.6 (MANE Select); coding-DNA position 1168, T replaced by G.
Protein change: p.Phe390Val; replaces phenylalanine 390 with valine.
Molecular consequence: missense variant.
Genome position (GRCh38, 1-based): chr17:58,358,608, A>C on the plus strand (T>G on the coding strand, the complement: RNF43 is on the minus strand). VCF-style: chr17-58358608-A-C. GRCh37 (hg19) VCF-style: chr17-56435969-A-C.
Other names: c.1168T>G, p.Phe390Val (NM_001305544.3); c.787T>G, p.Phe263Val (NM_001305545.2); short protein forms F263V, F390V.
Identifiers: ClinVar variation 2986029 (VCV002986029.3), dbSNP rs2143421699, ClinGen allele CA400331227.

ClinVar aggregate classification (germline): Uncertain significance (1 of 4 stars; one submission).

Submission:

Labcorp Genetics (formerly Invitae), Labcorp
Classification: Uncertain significance. Last evaluated: 2023-12-01. Review status: criteria provided, single submitter. Criteria: Invitae Variant Classification Sherloc (09022015). Collection method: clinical testing. Allele origin: germline.
Comment: This sequence change replaces phenylalanine, which is neutral and non-polar, with valine, which is neutral and non-polar, at codon 390 of the RNF43 protein (p.Phe390Val). This variant is not present in population databases (gnomAD no frequency). This variant has not been reported in the literature in individuals affected with RNF43-related conditions. An algorithm developed to predict the effect of missense changes on protein structure and function (PolyPhen-2) suggests that this variant is likely to be tolerated. In summary, the available evidence is currently insufficient to determine the role of this variant in disease. Therefore, it has been classified as a Variant of Uncertain Significance.